The following is an entry in ClinVar:

ClinVar aggregate classification (germline): Likely benign (1 of 4 stars; one submission).

gnomAD v4.1: 2 of 1,211,133 alleles (0.00017%); highest among the groups gnomAD compares: Admixed American, 0.0043%; no homozygotes.

Submission:

CeGaT Center for Human Genetics Tuebingen
Classification: Likely benign. Last evaluated: 2026-07-01. Review status: criteria provided, single submitter. Criteria: CeGaT Center For Human Genetics Tuebingen Variant Classification Criteria Version 2. Collection method: clinical testing. Allele origin: germline. Affected: yes. Observed: 1 variant allele.
Comment: L1CAM: BP4, BP7

NM_001278116.2(L1CAM):c.1890G>A (p.Gln630=)

Gene: L1CAM (L1 cell adhesion molecule; minus strand). Cytogenetic location: Xq28.
Variant type: single nucleotide variant.
Coding change: c.1890G>A on transcript NM_001278116.2 (MANE Select); coding-DNA position 1890, G replaced by A.
Protein change: p.Gln630=; no amino-acid change (glutamine 630 retained).
Molecular consequence: synonymous variant.
Genome position (GRCh38, 1-based): chrX:153,867,849, C>T on the plus strand (G>A on the coding strand, the complement: L1CAM is on the minus strand). VCF-style: chrX-153867849-C-T. GRCh37 (hg19) VCF-style: chrX-153133304-C-T.
Other names: c.1890G>A, p.Gln630= (NM_000425.5, NM_024003.3); c.1875G>A, p.Gln625= (NM_001143963.2).
Identifiers: ClinVar variation 5039991 (VCV005039991.1).